The following is an entry in ClinVar:

NM_001385012.1(NBEA):c.1197A>C (p.Pro399=)

Gene: NBEA (neurobeachin; plus strand). Cytogenetic location: 13q13.3.
Variant type: single nucleotide variant.
Coding change: c.1197A>C on transcript NM_001385012.1 (MANE Select); coding-DNA position 1197, A replaced by C.
Protein change: p.Pro399=; no amino-acid change (proline 399 retained).
Molecular consequence: synonymous variant.
Genome position (GRCh38, 1-based): chr13:35,058,821, A>C. VCF-style: chr13-35058821-A-C. GRCh37 (hg19) VCF-style: chr13-35632958-A-C.
Other names: c.1197A>C, p.Pro399= (NM_001379245.1, NM_015678.5).
Identifiers: ClinVar variation 4084077 (VCV004084077.9).

ClinVar aggregate classification (germline): Likely benign. Review status: criteria provided, multiple submitters, no conflicts (2 of 4 stars). 2 submissions from 2 submitters: Likely benign (2). Last evaluated 2025-08-01.

gnomAD v4.1: 242 of 1,607,756 alleles (0.015%); highest among the groups gnomAD compares: Admixed American, 0.044%; no homozygotes.

Submissions (2):

CeGaT Center for Human Genetics Tuebingen
Classification: Likely benign. Last evaluated: 2025-08-01. Review status: criteria provided, single submitter. Criteria: CeGaT Center For Human Genetics Tuebingen Variant Classification Criteria Version 2. Collection method: clinical testing. Allele origin: germline. Affected: yes. Observed: 1 variant allele.
Comment: NBEA: BP4, BP7

Blueprint Genetics
Classification: Likely benign. Last evaluated: 2024-09-03. Review status: criteria provided, single submitter. Criteria: ACMG Guidelines, 2015. Collection method: clinical testing. Allele origin: germline.